The following is an entry in ClinVar:

ClinVar aggregate classification (germline): Benign/Likely benign. Review status: criteria provided, multiple submitters, no conflicts (2 of 4 stars). 18 submissions from 16 submitters: Benign (11); Likely benign (2). 5 of the submissions do not count toward it. Last evaluated 2026-02-02.

Conditions:
Nonsyndromic genetic hearing loss. Also called: Nonsyndromic hearing loss and deafness; Non-syndromic genetic deafness; Nonsyndromic genetic deafness. Identifiers: Orphanet 87884, MedGen C5680182, MONDO:0019497.
Autosomal dominant nonsyndromic hearing loss 3A. Identifiers: Orphanet 90635, MedGen C2675750, MONDO:0011103, OMIM 601544.
Autosomal recessive nonsyndromic hearing loss 1A (DFNB1A). Also called: Connexin 26 deafness; Deafness nonsyndromic, Connexin 26 linked; GJB6-Related DFNB 1 Nonsyndromic Hearing Loss and Deafness; Deafness, autosomal recessive 1A; Nonsyndromic Hearing Loss and Deafness, DFNB1; GJB2-Related Autosomal Recessive Nonsyndromic Hearing Loss. Identifiers: Orphanet 90636, MedGen C2673759, MONDO:0009076, OMIM 220290.
Ichthyosis, hystrix-like, with hearing loss. Also called: Hystrix-like ichthyosis with deafness. Identifiers: Orphanet 477, MedGen C1865234, MONDO:0011245.
Progressive sensorineural hearing impairment. Identifiers: MedGen C1843156, HP:0000408.

Allele frequency attached by ClinVar (database versions not stated): 1000 Genomes Project 0.02696; gnomAD 0.00143; TOPMed 0.00170; ESP Exome Variant Server 0.00231; 1000 Genomes Project 30x 0.02452.

Submissions 1 to 15 of 18:

Labcorp Genetics (formerly Invitae), Labcorp
Classification: Benign. Last evaluated: 2026-02-02. Review status: criteria provided, single submitter. Criteria: Invitae Variant Classification Sherloc (09022015). Collection method: clinical testing. Allele origin: germline.

Athena Diagnostics
Classification: Benign. Last evaluated: 2024-10-24. Review status: criteria provided, single submitter. Criteria: Athena Diagnostics Criteria. Collection method: clinical testing. Allele origin: unknown.

ARUP Laboratories, Molecular Genetics and Genomics, ARUP Laboratories
Classification: Benign. Last evaluated: 2023-04-06. Review status: criteria provided, single submitter. Criteria: ARUP Molecular Germline Variant Investigation Process 2024. Collection method: clinical testing. Allele origin: germline.

INGEBI, INGEBI / CONICET
Classification: Benign for Nonsyndromic hearing loss and deafness. Last evaluated: 2020-08-31. Review status: criteria provided, single submitter. Criteria: ClinGen HL ACMG Specifications v1. Collection method: clinical testing. Allele origin: germline. Inheritance: Autosomal recessive inheritance. Affected: yes. Observed: 1 variant allele, 1 heterozygote.
Comment: Based on ACMG/AMP guidelines and Hearing Loss Expert Panel specific criteria: the filter allele frequency of c.380G>A, p.Arg127His variant in GJB2 gene is 9.5% (3021/30612 South Asian chromosomes with 95% CI) from Genome Aggregation Database (calculated by using inverse allele frequency at an online resource), which meets the threshold to apply for BA1 rule. Computational evidence was not enough to neither apply to PP3 nor BP4 since REVEL score was 0.387. This variant has been identified in trans with pathogenic variants in control subjects meeting BS2 rule (PMID: 11493200, 15070423, 12746422). It was shown in some familial cases that different genotypes composed of p.Arg127His change in homozygous state and in compound heterozygous with pathogenic variants did not segregate within the members of those families applying to BS4 criteria (PMID:19929408). On the other hand, this variant has been detected in trans with pathogenic variants in at least for patients with hearing loss (PMID: 16380907, 12746422, 19366456, 19929408). However, since this genetic variant presents a high allele frequency in general population, the PM3 rule was downgraded to supporting strength (PM3_Supporting). Functional studies (dye transfer assay and electrophysiological records) in HeLa cells and Xenopus Laevis oocytes presented contradictory results, so that evidence was not counted (PMID: 12176036, 16300957, 12189493, 12562518). In summary, this variant meets criteria to be classified as benign for autosomal recessive non-syndromic hearing loss: BA1, BS2, BS4, PM3_Supporting.

GeneDx
Classification: Benign. Last evaluated: 2018-06-08. Review status: criteria provided, single submitter. Criteria: GeneDx Variant Classification (06012015). Collection method: clinical testing. Allele origin: germline. Affected: yes.
Comment: This variant is considered likely benign or benign based on one or more of the following criteria: it is a conservative change, it occurs at a poorly conserved position in the protein, it is predicted to be benign by multiple in silico algorithms, and/or has population frequency not consistent with disease.

Illumina Laboratory Services, Illumina
Classification: Benign for Autosomal dominant nonsyndromic hearing loss 3A. Last evaluated: 2018-03-06. Review status: criteria provided, single submitter. Criteria: ICSL Variant Classification Criteria 13 December 2019. Collection method: clinical testing. Allele origin: germline.
Comment: This variant was observed in the ICSL laboratory as part of a predisposition screen in an ostensibly healthy population. It had not been previously curated by ICSL or reported in the Human Gene Mutation Database (HGMD: prior to June 1st, 2018), and was therefore a candidate for classification through an automated scoring system. Utilizing variant allele frequency, disease prevalence and penetrance estimates, and inheritance mode, an automated score was calculated to assess if this variant is too frequent to cause the disease. Based on the score and internal cut-off values, a variant classified as benign is not then subjected to further curation. The score for this variant resulted in a classification of benign for this disease.

Illumina Laboratory Services, Illumina
Classification: Benign for Autosomal dominant keratitis-ichthyosis-hearing loss syndrome. Last evaluated: 2018-03-06. Review status: criteria provided, single submitter. Criteria: ICSL Variant Classification Criteria 13 December 2019. Collection method: clinical testing. Allele origin: germline.
Comment: the same text as in the submission from Illumina Laboratory Services, Illumina above.

Illumina Laboratory Services, Illumina
Classification: Likely benign for Autosomal recessive nonsyndromic hearing loss 1A. Last evaluated: 2018-03-06. Review status: criteria provided, single submitter. Criteria: ICSL Variant Classification Criteria 13 December 2019. Collection method: clinical testing. Allele origin: germline.
Comment: This variant was observed in the ICSL laboratory as part of a predisposition screen in an ostensibly healthy population. It had not been previously curated by ICSL or reported in the Human Gene Mutation Database (HGMD: prior to June 1st, 2018), and was therefore a candidate for classification through an automated scoring system. Utilizing variant allele frequency, disease prevalence and penetrance estimates, and inheritance mode, an automated score was calculated to assess if this variant is too frequent to cause the disease. Based on the score and internal cut-off values, a variant classified as likely benign is not then subjected to further curation. The score for this variant resulted in a classification of likely benign for this disease.

Women's Health and Genetics/Laboratory Corporation of America, LabCorp
Classification: Benign. Last evaluated: 2017-08-08. Review status: criteria provided, single submitter. Criteria: LabCorp Variant Classification Summary - May 2015. Collection method: clinical testing. Allele origin: germline.

Genomic Diagnostic Laboratory, Division of Genomic Diagnostics, Children's Hospital of Philadelphia
Classification: Benign for Deafness, autosomal recessive 1A. Last evaluated: 2017-05-09. Review status: criteria provided, single submitter. Criteria: DGD Variant Analysis Guidelines. Collection method: clinical testing. Allele origin: germline. Affected: yes. Observed: 8 variant alleles.

Laboratory for Molecular Medicine, Mass General Brigham Personalized Medicine
Classification: Benign. Last evaluated: 2013-04-24. Review status: criteria provided, single submitter. Criteria: LMM Criteria. Collection method: clinical testing. Allele origin: germline. Observed: 34 variant alleles.
Comment: This variant is not expected to have clinical significance. Although there is so me controversy in the literature over the significance of this variant, after a thorough review of the following papers (Estivill et al. 1998; Marlin et al. 200 1; D'Andrea et al. 2002; Thonnissen et al. 2002; RamShankar et al, 2003; Wang et al. 2003; Toth et al, 2004; Chaleshtori et al. 2006; Dahl et al, 2006; Palmada et al, 2006) we conclude that the Arg127His variant is not causative for hearing loss. This conclusion is mainly due to its common (17.5%) occurrence in an Asia n Indian control population (RamShankar et al, 2003) and homozygous and compound heterozygous identification in individuals with normal hearing (Marlin et al. 2 001; RamShankar et al, 2003; Dahl et al, 2006). In addition, it has been reporte d in two large population studies; the Arg127His variant has been identified in has been identified in 0.3% (26/8600) of European American chromosomes by the NH LBI Exome Sequencing Project and 0.23% (5/2178) chromosomes by the 1000 Genomes Project (dbSNP rs111033196). In summary, this variant is meets our criteria to be classified as benign due to its high freque ncy in the general population and its presence in the homozygous state in unaffe cted individuals.

Eurofins Ntd Llc (ga)
Classification: Benign. Last evaluated: 2012-12-18. Review status: criteria provided, single submitter. Criteria: EGL Classification Definitions 2015. Collection method: clinical testing. Allele origin: germline. Observed: 6 variant alleles, 6 heterozygotes.

PreventionGenetics, part of Exact Sciences
Classification: Likely benign. Review status: criteria provided, single submitter. Criteria: ACMG Guidelines, 2015. Collection method: clinical testing. Allele origin: germline.

Natera, Inc.
Classification: Benign for Autosomal recessive deafness type 1A. Last evaluated: 2020-09-16. Review status: no assertion criteria provided. Collection method: clinical testing. Allele origin: germline. Not counted in ClinVar's aggregate classification.

Clinical Genetics DNA and cytogenetics Diagnostics Lab, Erasmus MC, Erasmus Medical Center
Classification: Benign. Review status: no assertion criteria provided. Collection method: clinical testing. Allele origin: germline. Affected: yes. Study: VKGL Data-share Consensus. Not counted in ClinVar's aggregate classification.

NM_004004.6(GJB2):c.380G>A (p.Arg127His)

Gene: GJB2 (gap junction protein beta 2; minus strand). Cytogenetic location: 13q12.11.
Variant type: single nucleotide variant.
Coding change: c.380G>A on transcript NM_004004.6 (MANE Select); coding-DNA position 380, G replaced by A.
Protein change: p.Arg127His; replaces arginine 127 with histidine.
Molecular consequence: missense variant.
Genome position (GRCh38, 1-based): chr13:20,189,202, C>T on the plus strand (G>A on the coding strand, the complement: GJB2 is on the minus strand). VCF-style: chr13-20189202-C-T. GRCh37 (hg19) VCF-style: chr13-20763341-C-T.
Other names: short protein forms R127H.
Identifiers: ClinVar variation 44745 (VCV000044745.41), dbSNP rs111033196, ClinGen allele CA134966.